The following is an entry in ClinVar:

ClinVar aggregate classification (germline): Pathogenic (1 of 4 stars; one submission).

Conditions:
Nemaline myopathy 2 (NEM2). Also called: Nemaline myopathy 2, autosomal recessive. Identifiers: MedGen C1850569, MONDO:0009725, OMIM 256030.

gnomAD v4.1: 2 of 1,613,822 alleles (0.00012%); highest among the groups gnomAD compares: South Asian, 0.0022%; no homozygotes.

Submission:

Myriad Genetics, Inc.
Classification: Pathogenic for Nemaline myopathy 2. Last evaluated: 2026-01-17. Review status: criteria provided, single submitter. Criteria: Myriad Autosomal Dominant, Autosomal Recessive and X-Linked Classification Criteria (2023). Collection method: clinical testing. Allele origin: unknown.
Comment: NM_001271208.1(NEB):c.19361T>G(L6454*) is expected to be pathogenic in the context of NEB-related nemaline myopathy. This variant is predicted to lead to an abnormal or absent protein product due to the creation of a premature termination codon in NEB, a gene where loss-of-function variants are known to be pathogenic. Please note: this variant was assessed in the context of healthy population screening.

NM_001164508.2(NEB):c.19361T>G (p.Leu6454Ter)

Gene: NEB (nebulin; minus strand). Cytogenetic location: 2q23.3.
Variant type: single nucleotide variant.
Coding change: c.19361T>G on transcript NM_001164508.2 (MANE Select); coding-DNA position 19361, T replaced by G.
Protein change: p.Leu6454Ter; replaces leucine 6454 with a stop codon.
Molecular consequence: nonsense.
Genome position (GRCh38, 1-based): chr2:151,554,998, A>C on the plus strand (T>G on the coding strand, the complement: NEB is on the minus strand). VCF-style: chr2-151554998-A-C. GRCh37 (hg19) VCF-style: chr2-152411512-A-C.
Other names: c.19361T>G, p.Leu6454Ter (NM_001164507.2, NM_001271208.2); c.14258T>G, p.Leu4753Ter (NM_004543.5); short protein forms L4753*, L6454*.
Identifiers: ClinVar variation 5015429 (VCV005015429.1).